The following is an entry in ClinVar:

ClinVar aggregate classification (germline): Conflicting classifications of pathogenicity. Review status: criteria provided, conflicting classifications (1 of 4 stars). 2 submissions from 2 submitters: Likely pathogenic (1); Uncertain significance (1). Last evaluated 2020-05-03.

Conditions:
Pontocerebellar hypoplasia type 1A (PCH1A). Also called: PONTOCEREBELLAR HYPOPLASIA WITH ANTERIOR HORN CELL DISEASE; PONTOCEREBELLAR HYPOPLASIA WITH INFANTILE SPINAL MUSCULAR ATROPHY. Identifiers: Orphanet 2254, Orphanet 88616, MedGen C1843504, MONDO:0011866, OMIM 607596.
Pontocerebellar hypoplasia type 8 (PCH8). Identifiers: Orphanet 324569, MedGen C3554209, MONDO:0013990, OMIM 614961.

gnomAD v4.1: 8 of 1,609,268 alleles (0.0005%); highest among the groups gnomAD compares: South Asian, 0.0011%; no homozygotes.

Submissions (2):

Genomic Research Center, Shahid Beheshti University of Medical Sciences
Classification: Likely pathogenic for Pontocerebellar hypoplasia type 1A. Last evaluated: 2020-05-03. Review status: criteria provided, single submitter. Criteria: ACMG Guidelines, 2015. Collection method: clinical testing. Allele origin: unknown. Affected: yes.

Watson Genetic Lab
Classification: Uncertain significance for Pontocerebellar hypoplasia, type 8. Last evaluated: 2020-05-03. Review status: criteria provided, single submitter. Criteria: ACMG Guidelines, 2015. Collection method: clinical testing. Allele origin: biparental. Inheritance: Autosomal recessive inheritance. Affected: yes. Observed: 1 homozygote.
Comment: The variant has not been previously reported in the literature. Multiple lines of in silico computational analysis (MutationTaster, CADD, SIFT, and PolyPhen) support the deleterious effect of the variant on the gene or its protein structure. The variant is absent in population databases (gnomAD, and our local database). Based on ACMG guidelines, this variant can be classified as a Variant of Uncertain Significance (VUS).

NM_002768.5(CHMP1A):c.346G>A (p.Glu116Lys)

Gene: CHMP1A (charged multivesicular body protein 1A; minus strand). Cytogenetic location: 16q24.3.
Variant type: single nucleotide variant.
Coding change: c.346G>A on transcript NM_002768.5 (MANE Select); coding-DNA position 346, G replaced by A.
Protein change: p.Glu116Lys; replaces glutamic acid 116 with lysine.
Molecular consequence: missense variant. On other transcripts: non-coding transcript variant (1).
Genome position (GRCh38, 1-based): chr16:89,647,238, C>T on the plus strand (G>A on the coding strand, the complement: CHMP1A is on the minus strand). VCF-style: chr16-89647238-C-T. GRCh37 (hg19) VCF-style: chr16-89713646-C-T.
Other names: c.326G>A, p.Arg109Gln (NM_001083314.4); short protein forms E116K, R109Q.
Identifiers: ClinVar variation 522948 (VCV000522948.7), dbSNP rs1064794609, ClinGen allele CA397433083.
Genomic context (GRCh38, chr16:89,647,238, plus strand): 5'-AGCCCCAAGGGTAGGGGCCACATACCGATGTATGGACGTCCAGGTTCTGCACCTGCTGCT[C>T]GAACCTGTCCATCACTGAGGAGACCTTCTGCAGGTCCATGGTGCTCAGGGCCTTGTCCAG-3'
Protein context (NP_002759.2, residues 106-126): QKVSSVMDRF[Glu116Lys]QQVQNLDVHT